The following is an entry in ClinVar:

NM_001199107.2(TBC1D24):c.1675C>T (p.Gln559Ter)

Gene: TBC1D24 (TBC1 domain family member 24; plus strand). Cytogenetic location: 16p13.3.
Variant type: single nucleotide variant.
Coding change: c.1675C>T on transcript NM_001199107.2 (MANE Select); coding-DNA position 1675, C replaced by T.
Protein change: p.Gln559Ter; replaces glutamine 559 with a stop codon.
Molecular consequence: nonsense.
Genome position (GRCh38, 1-based): chr16:2,500,953, C>T. VCF-style: chr16-2500953-C-T. GRCh37 (hg19) VCF-style: chr16-2550954-C-T.
Other names: c.1657C>T, p.Gln553Ter (NM_020705.3); short protein forms Q559*, Q553*.
Identifiers: ClinVar variation 591235 (VCV000591235.5), dbSNP rs1253505916, ClinGen allele CA394382546.
Genomic context (GRCh38, chr16:2,500,953, plus strand): 5'-TGCTCCGAGAACTTCCTCATTGCTGCCGTGGAGGCCTGGGGCTTCCAGGACCCTGACACC[C>T]AGTGACGGCCTGTGCCACGGTGACTGAGCCGTGGTGGGGCGGTGGGCCGAGGCTGGGCTG-3'

ClinVar aggregate classification (germline): Uncertain significance. Review status: criteria provided, multiple submitters, no conflicts (2 of 4 stars). 3 submissions from 3 submitters: Uncertain significance (2). 1 of the submissions does not count toward it. Last evaluated 2024-08-08.

Conditions:
Caused by mutation in the TBC1 domain family, member 24.
Autosomal dominant nonsyndromic hearing loss 65. Also called: Deafness, autosomal dominant 65; TBC1D24-Related Autosomal Dominant Nonsyndromic Hearing Loss (DFNA). Identifiers: Orphanet 90635, MedGen C3892048, MONDO:0014470, OMIM 616044.
Developmental and epileptic encephalopathy, 1 (DEE1). Also called: Epileptic encephalopathy, early infantile, 1; X-linked infantile spasms; West's syndrome; Tonic spasms with clustering, arrest of psychomotor development and hypsarrhythmia on EEG; X-Linked Infantile Spasm Syndrome; OHTAHARA SYNDROME, X-LINKED. Identifiers: MedGen C3463992, MONDO:0010632, OMIM 308350. Disease mechanism: loss of function.

Allele frequency attached by ClinVar (database versions not stated): TOPMed 0.00002; gnomAD 0.00002.

Submissions (3):

GeneDx
Classification: Uncertain significance. Last evaluated: 2024-08-08. Review status: criteria provided, single submitter. Criteria: GeneDx Variant Classification Process June 2021. Collection method: clinical testing. Allele origin: germline. Affected: yes.
Comment: Not observed in large population cohorts (gnomAD); Nonsense variant predicted to result in protein truncation as the last amino acid is lost, although loss-of-function variants have not been reported downstream of this position in the protein; Has not been previously published as pathogenic or benign to our knowledge

Labcorp Genetics (formerly Invitae), Labcorp
Classification: Uncertain significance for Developmental and epileptic encephalopathy, 1; Autosomal dominant nonsyndromic hearing loss 65. Last evaluated: 2022-09-01. Review status: criteria provided, single submitter. Criteria: Invitae Variant Classification Sherloc (09022015). Collection method: clinical testing. Allele origin: germline.
Comment: This sequence change creates a premature translational stop signal (p.Gln559*) in the TBC1D24 gene. While this is not anticipated to result in nonsense mediated decay, it is expected to disrupt the last 1 amino acid(s) of the TBC1D24 protein. This variant is not present in population databases (gnomAD no frequency). This variant has not been reported in the literature in individuals affected with TBC1D24-related conditions. ClinVar contains an entry for this variant (Variation ID: 591235). Experimental studies and prediction algorithms are not available or were not evaluated, and the functional significance of this variant is currently unknown. In summary, the available evidence is currently insufficient to determine the role of this variant in disease. Therefore, it has been classified as a Variant of Uncertain Significance.

Gharavi Laboratory, Columbia University
Classification: Uncertain significance. Last evaluated: 2018-09-16. Review status: no assertion criteria provided. Criteria: ACMG Guidelines, 2015. Collection method: research. Allele origin: germline. Affected: yes. Not counted in ClinVar's aggregate classification.